The following is an entry in ClinVar:

NM_001365536.1(SCN9A):c.1603-3C>A

Genes: SCN1A-AS1 (SCN1A and SCN9A antisense RNA 1; plus strand), SCN9A (sodium voltage-gated channel alpha subunit 9; minus strand). Cytogenetic location: 2q24.3.
Variant type: single nucleotide variant.
Coding change: c.1603-3C>A on transcript NM_001365536.1 (MANE Select); 3 bases into the intron before coding-DNA position 1603, C replaced by A.
Molecular consequence: intron variant.
Genome position (GRCh38, 1-based): chr2:166,284,827, G>T on the plus strand (C>A on the coding strand, the complement: SCN9A is on the minus strand). VCF-style: chr2-166284827-G-T. GRCh37 (hg19) VCF-style: chr2-167141337-G-T.
Other names: c.1603-3C>A (NM_002977.4).
Identifiers: ClinVar variation 2175674 (VCV002175674.4), dbSNP rs1574864878, ClinGen allele CA2580064354.

ClinVar aggregate classification (germline): Uncertain significance (1 of 4 stars; one submission).

Conditions:
Neuropathy, hereditary sensory and autonomic, type 2A (HSAN2A). Also called: WNK1-Related HSAN2 (HSAN2A); MORVAN DISEASE; NEUROPATHY, CONGENITAL SENSORY; NEUROPATHY, HEREDITARY SENSORY RADICULAR, AUTOSOMAL RECESSIVE; NEUROPATHY, HEREDITARY SENSORY, TYPE IIA; NEUROPATHY, PROGRESSIVE SENSORY, OF CHILDREN. Identifiers: Orphanet 970, MedGen C2752089, MONDO:0024309, OMIM 201300.
Generalized epilepsy with febrile seizures plus, type 7 (GEFSP7). Also called: GEFS+, TYPE 7. Identifiers: Orphanet 36387, MedGen C2751778, MONDO:0013470, OMIM 613863.

Submission:

Labcorp Genetics (formerly Invitae), Labcorp
Classification: Uncertain significance for Neuropathy, hereditary sensory and autonomic, type 2A; Generalized epilepsy with febrile seizures plus, type 7. Last evaluated: 2022-11-06. Review status: criteria provided, single submitter. Criteria: Invitae Variant Classification Sherloc (09022015). Collection method: clinical testing. Allele origin: germline.
Comment: This variant has not been reported in the literature in individuals affected with SCN9A-related conditions. This variant is not present in population databases (gnomAD no frequency). This sequence change falls in intron 11 of the SCN9A gene. It does not directly change the encoded amino acid sequence of the SCN9A protein. It affects a nucleotide within the consensus splice site. Variants that disrupt the consensus splice site are a relatively common cause of aberrant splicing (PMID: 17576681, 9536098). Algorithms developed to predict the effect of sequence changes on RNA splicing suggest that this variant may disrupt the consensus splice site. In summary, the available evidence is currently insufficient to determine the role of this variant in disease. Therefore, it has been classified as a Variant of Uncertain Significance.

Literature cited by the submitters: PubMed 17576681; PubMed 9536098.